The following is an entry in ClinVar:

ClinVar aggregate classification (germline): Benign (1 of 4 stars; one submission).

Allele frequency attached by ClinVar (database versions not stated): gnomAD 0.26775 and 0.27151; TOPMed 0.28005; 1000 Genomes Project 0.29832; 1000 Genomes Project 30x 0.30325.
gnomAD v4.1: 40,434 of 151,304 alleles (27%); highest among the groups gnomAD compares: African/African-American, 44%; 6,384 homozygotes.

Submission:

GeneDx
Classification: Benign. Last evaluated: 2018-06-19. Review status: criteria provided, single submitter. Criteria: GeneDx Variant Classification (06012015). Collection method: clinical testing. Allele origin: germline. Affected: yes.
Comment: This variant is considered likely benign or benign based on one or more of the following criteria: it is a conservative change, it occurs at a poorly conserved position in the protein, it is predicted to be benign by multiple in silico algorithms, and/or has population frequency not consistent with disease.

NM_003640.5(ELP1):c.2736+308A>G

Gene: ELP1 (elongator acetyltransferase complex subunit 1; minus strand). Cytogenetic location: 9q31.3.
Variant type: single nucleotide variant.
Coding change: c.2736+308A>G on transcript NM_003640.5 (MANE Select); 308 bases into the intron after coding-DNA position 2736, A replaced by G.
Molecular consequence: intron variant.
Genome position (GRCh38, 1-based): chr9:108,896,188, T>C on the plus strand (A>G on the coding strand, the complement: ELP1 is on the minus strand). VCF-style: chr9-108896188-T-C. GRCh37 (hg19) VCF-style: chr9-111658468-T-C.
Other names: c.2394+308A>G (NM_001318360.2); c.1689+308A>G (NM_001330749.2).
Identifiers: ClinVar variation 683636 (VCV000683636.1), dbSNP rs4978758, ClinGen allele CA12967371.